The following is an entry in ClinVar:

ClinVar aggregate classification (germline): Likely pathogenic. Review status: reviewed by expert panel (3 of 4 stars). 2 submissions from 2 submitters: Likely pathogenic (1). 1 of the submissions does not count toward it. Last evaluated 2025-04-15.

Conditions:
Glanzmann thrombasthenia. Also called: Thrombasthenia; BLEEDING DISORDER, PLATELET-TYPE, 2; THROMBASTHENIA OF GLANZMANN AND NAEGELI; PLATELET GLYCOPROTEIN IIb-IIIa DEFICIENCY; Glanzmann's thrombasthenia. Identifiers: Orphanet 849, MedGen C0040015, MONDO:0100326.

Allele frequency attached by ClinVar (database versions not stated): TOPMed below 0.00001; gnomAD 0.00001.
gnomAD v4.1: 1 of 1,614,118 alleles (0.000062%); no homozygotes.

Submissions (2):

ClinGen Platelet Disorders Variant Curation Expert Panel, ClinGen
Classification: Likely pathogenic for Glanzmann thrombasthenia. Last evaluated: 2025-04-15. Review status: reviewed by expert panel. Criteria: ClinGen Platelet ACMG Specifications v2-1. Collection method: curation. Allele origin: germline. Inheritance: Autosomal recessive inheritance.
Comment: The NM_000419.5(ITGA2B):c.1361G>A (p.Gly454Asp) variant has been reported, in the homozygous state, in at least one GT proband (P3 in PMID: 34275420) who displayed mucocutaneous bleeding and impaired aggregation with all agonists except ristocetin, which is highly specific for Glanzmann thrombasthenia. Additionally, αIIbβ3 surface expression was reduced to <5%, as measured by flow cytometry (PP4_strong). Surface expression of αIIbβ3 measured by flow cytometry in COS-7 cells transiently co-transfected with Gly454Asp variant αIIb and wild type β3 showed impaired expression levels. There is a clear decrease in percent positive cells with near absence interpreted as <25% (PMID: 34275420; PS3_supporting). The variant is predicted deleterious (REVEL score 0.812). This variant is absent from gnomAD v2.1.1 and present in gnomADv4.1 on 1 allele in the "Remaining" genetic ancestry group (PM2_supporting). In summary, this variant meets criteria to be classified as Likely Pathogenic for GT. GT-specific criteria applied: PM2_supporting, PM3_supporting, PP4_strong, PS3_supporting, and PP3.

Departement d'Immunology Plaquettaire, Institut National de la Transfusion Sanguine
Classification: Pathogenic for Glanzmann thrombasthenia 1. Review status: criteria provided, single submitter. Criteria: ACMG Guidelines, 2015. Collection method: provider interpretation, research. Allele origin: germline. Inheritance: Autosomal recessive inheritance. Affected: yes. Observed: 3 variant alleles, 2 heterozygotes, 1 homozygote. Not counted in ClinVar's aggregate classification.
Comment: The variant impairs the expression of the platelets fibrinogen receptor alphaIIb beta3

Literature cited by the submitters: PubMed 34275420 (cited by ClinGen Platelet Disorders Variant Curation Expert Panel, ClinGen); PubMed 32139434 (cited by Departement d'Immunology Plaquettaire, Institut National de la Transfusion Sanguine); PubMed 16722529 (cited by Departement d'Immunology Plaquettaire, Institut National de la Transfusion Sanguine).

NM_000419.5(ITGA2B):c.1361G>A (p.Gly454Asp)

Gene: ITGA2B (integrin subunit alpha 2b; minus strand). Cytogenetic location: 17q21.31.
Variant type: single nucleotide variant.
Coding change: c.1361G>A on transcript NM_000419.5 (MANE Select); coding-DNA position 1361, G replaced by A.
Protein change: p.Gly454Asp; replaces glycine 454 with aspartic acid.
Molecular consequence: missense variant.
Genome position (GRCh38, 1-based): chr17:44,380,911, C>T on the plus strand (G>A on the coding strand, the complement: ITGA2B is on the minus strand). VCF-style: chr17-44380911-C-T. GRCh37 (hg19) VCF-style: chr17-42458279-C-T.
Other names: short protein forms G454D.
Identifiers: ClinVar variation 977127 (VCV000977127.4), dbSNP rs2048591163, ClinGen allele CA399803524.